The following is an entry in ClinVar:

NM_000297.4(PKD2):c.2744G>A (p.Arg915His)

Gene: PKD2 (polycystin 2, transient receptor potential cation channel; plus strand). Cytogenetic location: 4q22.1.
Variant type: single nucleotide variant.
Coding change: c.2744G>A on transcript NM_000297.4 (MANE Select); coding-DNA position 2744, G replaced by A.
Protein change: p.Arg915His; replaces arginine 915 with histidine.
Molecular consequence: missense variant. On other transcripts: non-coding transcript variant (1).
Genome position (GRCh38, 1-based): chr4:88,075,531, G>A. VCF-style: chr4-88075531-G-A. GRCh37 (hg19) VCF-style: chr4-88996683-G-A.
Other names: short protein forms R915H.
Identifiers: ClinVar variation 972680 (VCV000972680.2), dbSNP rs755957288, ClinGen allele CA3004352.
Genomic context (GRCh38, chr4:88,075,531, plus strand): 5'-GTCGTGACAGTGAAATCCATAGGGAACAGATGGAACGGCTAGTACGTGAAGAGTTGGAAC[G>A]CTGGGAATCCGATGATGCAGCTTCCCAGATCAGTCATGGTTTAGGCACGCCAGTGGGACT-3'
Protein context (NP_000288.1, residues 905-925): MERLVREELE[Arg915His]WESDDAASQI

ClinVar aggregate classification (germline): Uncertain significance. Review status: criteria provided, multiple submitters, no conflicts (2 of 4 stars). 2 submissions from 2 submitters: Uncertain significance (2). Last evaluated 2025-06-19.

Conditions:
Polycystic kidney disease 2 (PKD2). Also called: Polycystic Kidney Disease 2, Autosomal Dominant; POLYCYSTIC KIDNEY DISEASE, ADULT, TYPE II; POLYCYSTIC KIDNEY DISEASE 2 WITH OR WITHOUT POLYCYSTIC LIVER DISEASE. Identifiers: MedGen C2751306, MONDO:0013131, OMIM 613095.

Allele frequency attached by ClinVar (database versions not stated): TOPMed below 0.00001.
gnomAD v4.1: 3 of 1,614,134 alleles (0.00019%); highest among the groups gnomAD compares: Middle Eastern, 0.016%; no homozygotes.

Submissions (2):

GeneDx
Classification: Uncertain significance. Last evaluated: 2025-06-19. Review status: criteria provided, single submitter. Criteria: GeneDx Variant Classification Process June 2021. Collection method: clinical testing. Allele origin: germline. Affected: yes.
Comment: Not observed at significant frequency in large population cohorts (gnomAD); In silico analysis supports that this missense variant has a deleterious effect on protein structure/function; Has not been previously published as pathogenic or benign to our knowledge

MVZ Martinsried, Medicover Genetics
Classification: Uncertain significance for Polycystic kidney disease 2. Last evaluated: 2019-11-15. Review status: criteria provided, single submitter. Criteria: ACMG Guidelines, 2015. Collection method: clinical testing. Allele origin: unknown. Affected: yes.